The following is an entry in ClinVar:

NM_001375524.1(TRRAP):c.5852A>G (p.His1951Arg)

Gene: TRRAP (transformation/transcription domain associated protein; plus strand). Cytogenetic location: 7q22.1.
Variant type: single nucleotide variant.
Coding change: c.5852A>G on transcript NM_001375524.1 (MANE Select); coding-DNA position 5852, A replaced by G.
Protein change: p.His1951Arg; replaces histidine 1951 with arginine.
Molecular consequence: missense variant.
Genome position (GRCh38, 1-based): chr7:98,955,219, A>G. VCF-style: chr7-98955219-A-G. GRCh37 (hg19) VCF-style: chr7-98552842-A-G.
Other names: c.5831A>G, p.His1944Arg (NM_001244580.2); c.5777A>G, p.His1926Arg (NM_003496.4); short protein forms H1926R, H1944R, H1951R.
Identifiers: ClinVar variation 3773953 (VCV003773953.2).

ClinVar aggregate classification (germline): Pathogenic (1 of 4 stars; one submission).

Conditions:
TRRAP-related neurodevelopmental disorder with multiple anomalies.

Submission:

GeneDx
Classification: Pathogenic. Last evaluated: 2024-09-20. Review status: criteria provided, single submitter. Criteria: GeneDx Variant Classification Process June 2021. Collection method: clinical testing. Allele origin: germline. Affected: yes.
Comment: Not observed at significant frequency in large population cohorts (gnomAD); In silico analysis supports that this missense variant has a deleterious effect on protein structure/function; Has not been previously published as pathogenic or benign to our knowledge